The following is an entry in ClinVar:

NM_000540.3(RYR1):c.9457G>A (p.Gly3153Arg)

Gene: RYR1 (ryanodine receptor 1; plus strand). Cytogenetic location: 19q13.2.
Variant type: single nucleotide variant.
Coding change: c.9457G>A on transcript NM_000540.3 (MANE Select); coding-DNA position 9457, G replaced by A.
Protein change: p.Gly3153Arg; replaces glycine 3153 with arginine.
Molecular consequence: missense variant.
Genome position (GRCh38, 1-based): chr19:38,512,468, G>A. VCF-style: chr19-38512468-G-A. GRCh37 (hg19) VCF-style: chr19-39003108-G-A.
Other names: p.Gly3153Arg; c.9457G>A, p.Gly3153Arg (NM_001042723.2); short protein forms G3153R.
Identifiers: ClinVar variation 478300 (VCV000478300.12), dbSNP rs779410371, ClinGen allele CA073594.

ClinVar aggregate classification (germline): Conflicting classifications of pathogenicity. Review status: criteria provided, conflicting classifications (1 of 4 stars). 8 submissions from 8 submitters: Likely pathogenic (1); Uncertain significance (7). Last evaluated 2025-06-16.

Conditions:
Central core myopathy (CMYO1A). Also called: Central core disease; Myopathy, central fibrillar; CONGENITAL MYOPATHY 1A, AUTOSOMAL DOMINANT, WITH SUSCEPTIBILITY TO MALIGNANT HYPERTHERMIA. Identifiers: Orphanet 597, MedGen C5830701, MONDO:0007294, OMIM 117000.
Congenital multicore myopathy with external ophthalmoplegia (CMYO1B). Also called: Minicore myopathy with external ophthalmoplegia; MULTIMINICORE DISEASE WITH EXTERNAL OPHTHALMOPLEGIA; MULTICORE MYOPATHY; Congenital myopathy 1B, autosomal recessive; Minicore myopathy. Identifiers: Orphanet 598, Orphanet 98905, MedGen C1850674, MONDO:0009712, OMIM 255320, HP:0003789.
Malignant hyperthermia, susceptibility to, 1 (MHS1). Also called: RYR1-Related Malignant Hyperthermia Susceptibility; Anesthesia related hyperthermia; Malignant hyperpyrexia; Fulminating hyperpyrexia; Pharmacogenic myopathy; Malignant hyperthermia suceptibility 1. Identifiers: Orphanet 423, MedGen C2930980, MONDO:0007783, OMIM 145600.
Congenital myopathy with fiber type disproportion. Also called: Congenital fiber-type disproportion myopathy; Congenital fiber-type disproportion. Identifiers: Orphanet 2020, MedGen C0546264, MONDO:0009711. Inheritance: all.
King Denborough syndrome (KDS). Identifiers: MedGen C1840365, MONDO:0020485, OMIM 619542.
RYR1-related disorder. Also called: RYR1-related disorders; RYR1-related condition. Identifiers: MedGen CN239331.

Allele frequency attached by ClinVar (database versions not stated): gnomAD exomes 0.00001 and 0.00002; ExAC 0.00003; gnomAD 0.00003; TOPMed 0.00003.
gnomAD v4.1: 12 of 1,611,940 alleles (0.00074%); highest among the groups gnomAD compares: African/African-American, 0.004%; no homozygotes.

Submissions (8):

GeneDx
Classification: Uncertain significance. Last evaluated: 2025-06-16. Review status: criteria provided, single submitter. Criteria: GeneDx Variant Classification Process June 2021. Collection method: clinical testing. Allele origin: germline. Affected: yes.
Comment: Not observed at significant frequency in large population cohorts (gnomAD); In silico analysis supports that this missense variant has a deleterious effect on protein structure/function; This variant is associated with the following publications: (PMID: 37643885, 19191333, 25214167, 29417091, 12668474)

Color Diagnostics, LLC DBA Color Health
Classification: Uncertain significance for Malignant hyperthermia, susceptibility to, 1. Last evaluated: 2025-06-09. Review status: criteria provided, single submitter. Criteria: ACMG Guidelines, 2015. Collection method: clinical testing. Allele origin: germline.
Comment: This missense variant replaces glycine with arginine at codon 3153 of the RYR1 protein. Computational prediction suggests that this variant may have deleterious impact on protein structure and function. To our knowledge, functional studies have not been reported for this variant. This variant has been reported to not segregate with malignant hyperthermia susceptibility in one study, where this variant was described as a potential polymorphism (PMID: 19191333). This variant has been reported in individuals with congenital myopathy (PMID: 25214167, 29417091). This variant has been identified in 4/248494 chromosomes in the general population by the Genome Aggregation Database (gnomAD). The available evidence is insufficient to determine the role of this variant in disease conclusively. Therefore, this variant is classified as a Variant of Uncertain Significance.

Blueprint Genetics
Classification: Likely pathogenic for RYR1-related disorders. Last evaluated: 2024-03-05. Review status: criteria provided, single submitter. Criteria: ACMG Guidelines, 2015. Collection method: clinical testing. Allele origin: germline. Affected: yes. Observed: 5 variant alleles.

All of Us Research Program, National Institutes of Health
Classification: Uncertain significance for Malignant hyperthermia, susceptibility to, 1. Last evaluated: 2023-12-01. Review status: criteria provided, single submitter. Criteria: ACMG Guidelines, 2015. Collection method: clinical testing. Allele origin: germline. Inheritance: Autosomal dominant inheritance. Observed: 11 variant alleles, 11 heterozygotes.
Comment: This missense variant replaces glycine with arginine at codon 3153 of the RYR1 protein. Computational prediction suggests that this variant may have deleterious impact on protein structure and function (internally defined REVEL score threshold >= 0.7, PMID: 27666373). To our knowledge, functional studies have not been reported for this variant. This variant has been reported to not segregate with malignant hyperthermia susceptibility in one study, where this variant was described as a potential polymorphism (PMID: 19191333). This variant has been reported in individuals with congenital myopathy (PMID: 25214167, 29417091). This variant has been identified in 4/248494 chromosomes in the general population by the Genome Aggregation Database (gnomAD). The available evidence is insufficient to determine the role of this variant in disease conclusively. Therefore, this variant is classified as a Variant of Uncertain Significance.

This study involves interpretation of variants in research participants for the purpose of population health screening. Participant phenotype was not available at the time of variant classification. Additional details can be found in publication PMID: 35346344, PMCID: PMC8962531

Mayo Clinic Laboratories, Mayo Clinic
Classification: Uncertain significance. Last evaluated: 2023-06-28. Review status: criteria provided, single submitter. Criteria: ACMG Guidelines, 2015. Collection method: clinical testing. Allele origin: germline. Observed: 1 variant allele.
Comment: PP3

3billion
Classification: Uncertain significance for Central core myopathy. Last evaluated: 2022-09-01. Review status: criteria provided, single submitter. Criteria: ACMG Guidelines, 2015. Collection method: clinical testing. Allele origin: germline. Affected: yes. Observed: 1 heterozygote.
Comment: The variant is observed at an extremely low frequency in the gnomAD v2.1.1 dataset (total allele frequency: 0.002%). In silico tool predictions suggest damaging effect of the variant on gene or gene product (REVEL: 0.92). However, the evidence of pathogenicity is insufficient at this time. Therefore, this variant is classified as uncertain significance according to the recommendation of ACMG/AMP guideline.

Labcorp Genetics (formerly Invitae), Labcorp
Classification: Uncertain significance for RYR1-related disorder. Last evaluated: 2022-07-05. Review status: criteria provided, single submitter. Criteria: Invitae Variant Classification Sherloc (09022015). Collection method: clinical testing. Allele origin: germline.
Comment: This sequence change replaces glycine, which is neutral and non-polar, with arginine, which is basic and polar, at codon 3153 of the RYR1 protein (p.Gly3153Arg). This variant is present in population databases (rs779410371, gnomAD 0.007%). This missense change has been observed in individual(s) with congenital myopathy and/or malignant hyperthermia susceptibility (MHS) (PMID: 19191333, 25214167, 29417091). ClinVar contains an entry for this variant (Variation ID: 478300). Advanced modeling of protein sequence and biophysical properties (such as structural, functional, and spatial information, amino acid conservation, physicochemical variation, residue mobility, and thermodynamic stability) performed at Invitae indicates that this missense variant is expected to disrupt RYR1 protein function. In summary, the available evidence is currently insufficient to determine the role of this variant in disease. Therefore, it has been classified as a Variant of Uncertain Significance.

Fulgent Genetics
Classification: Uncertain significance for Central core myopathy; Malignant hyperthermia, susceptibility to, 1; Congenital myopathy 4A, autosomal dominant; Congenital multicore myopathy with external ophthalmoplegia; King Denborough syndrome. Last evaluated: 2021-08-12. Review status: criteria provided, single submitter. Criteria: ACMG Guidelines, 2015. Collection method: clinical testing. Allele origin: unknown.

Literature cited by the submitters: PubMed 19191333 (cited by 4 submitters); PubMed 25214167 (cited by 3 submitters); PubMed 29417091 (cited by 4 submitters).